The following is an entry in ClinVar:

NM_000465.4(BARD1):c.973C>T (p.His325Tyr)

Gene: BARD1 (BRCA1 associated RING domain 1; minus strand). Cytogenetic location: 2q35.
Variant type: single nucleotide variant.
Coding change: c.973C>T on transcript NM_000465.4 (MANE Select); coding-DNA position 973, C replaced by T.
Protein change: p.His325Tyr; replaces histidine 325 with tyrosine.
Molecular consequence: missense variant. On other transcripts: non-coding transcript variant (2), intron variant (3).
Genome position (GRCh38, 1-based): chr2:214,780,901, G>A on the plus strand (C>T on the coding strand, the complement: BARD1 is on the minus strand). VCF-style: chr2-214780901-G-A. GRCh37 (hg19) VCF-style: chr2-215645625-G-A.
Other names: c.916C>T, p.His306Tyr (NM_001282543.2); c.159-28346C>T (NM_001282548.2); c.215+16160C>T (NM_001282545.2); c.364+11396C>T (NM_001282549.2); short protein forms H306Y, H325Y.
Identifiers: ClinVar variation 1768046 (VCV001768046.7), dbSNP rs1358719583, ClinGen allele CA350454620.
Genomic context (GRCh38, chr2:214,780,901, plus strand): 5'-CACTGGTGCTCAGAATGCTGGTTCTACATCTCTTAGAAATGGGACTGGAAAGTCTATTGT[G>A]ATGGCCACGTTTTCCATTATTTTCTAATGGCAAAGATTTCTTAGATGTAAGATAATTTTT-3'
Protein context (NP_000456.2, residues 315-335): PLENNGKRGH[His325Tyr]NRLSSPISKR

ClinVar aggregate classification (germline): Uncertain significance. Review status: criteria provided, multiple submitters, no conflicts (2 of 4 stars). 2 submissions from 2 submitters: Uncertain significance (2). Last evaluated 2025-06-07.

Conditions:
Hereditary cancer-predisposing syndrome. Also called: Hereditary Cancer Syndrome; Hereditary neoplastic syndrome; Neoplastic Syndromes, Hereditary; Tumor predisposition. Identifiers: Orphanet 140162, MedGen C0027672, MeSH D009386, MONDO:0015356.
Familial cancer of breast. Also called: BREAST CANCER, FAMILIAL; hereditary breast carcinoma; Hereditary breast cancer. Identifiers: Orphanet 227535, MedGen C0346153, MONDO:0016419, OMIM 114480. Disease mechanism: loss of function.

Submissions (2):

Ambry Genetics
Classification: Uncertain significance for Hereditary cancer-predisposing syndrome. Last evaluated: 2025-06-07. Review status: criteria provided, single submitter. Criteria: Ambry Variant Classification Scheme 2023. Collection method: clinical testing. Allele origin: germline.
Comment: The p.H325Y variant (also known as c.973C>T), located in coding exon 4 of the BARD1 gene, results from a C to T substitution at nucleotide position 973. The histidine at codon 325 is replaced by tyrosine, an amino acid with similar properties. This amino acid position is poorly conserved in available vertebrate species. In addition, this alteration is predicted to be tolerated by in silico analysis. Since supporting evidence is limited at this time, the clinical significance of this alteration remains unclear.

Labcorp Genetics (formerly Invitae), Labcorp
Classification: Uncertain significance for Familial cancer of breast. Last evaluated: 2023-09-19. Review status: criteria provided, single submitter. Criteria: Invitae Variant Classification Sherloc (09022015). Collection method: clinical testing. Allele origin: germline.
Comment: In summary, the available evidence is currently insufficient to determine the role of this variant in disease. Therefore, it has been classified as a Variant of Uncertain Significance. An algorithm developed to predict the effect of missense changes on protein structure and function (PolyPhen-2) suggests that this variant is likely to be tolerated. ClinVar contains an entry for this variant (Variation ID: 1768046). This variant has not been reported in the literature in individuals affected with BARD1-related conditions. This variant is not present in population databases (gnomAD no frequency). This sequence change replaces histidine, which is basic and polar, with tyrosine, which is neutral and polar, at codon 325 of the BARD1 protein (p.His325Tyr).